The following is an entry in ClinVar:

ClinVar aggregate classification (germline): Likely pathogenic. Review status: criteria provided, single submitter (1 of 4 stars). 2 submissions from 2 submitters: Likely pathogenic (1). 1 of the submissions does not count toward it. Last evaluated 2024-03-31.

Conditions:
Retinitis pigmentosa 78 (RP78). Identifiers: MedGen C4479481, MONDO:0044314, OMIM 617433.

Allele frequency attached by ClinVar (database versions not stated): gnomAD 0.00002; gnomAD exomes 0.00002; TOPMed 0.00002.
gnomAD v4.1: 29 of 1,613,130 alleles (0.0018%); highest among the groups gnomAD compares: Non-Finnish European, 0.0024%; no homozygotes.

Submissions (2):

Labcorp Genetics (formerly Invitae), Labcorp
Classification: Likely pathogenic. Last evaluated: 2024-03-31. Review status: criteria provided, single submitter. Criteria: Invitae Variant Classification Sherloc (09022015). Collection method: clinical testing. Allele origin: germline.
Comment: This sequence change replaces threonine, which is neutral and polar, with alanine, which is neutral and non-polar, at codon 270 of the ARHGEF18 protein (p.Thr270Ala). This variant is present in population databases (no rsID available, gnomAD 0.007%). This missense change has been observed in individual(s) with inherited retinal dystrophy (PMID: 28132693; Invitae). In at least one individual the data is consistent with being in trans (on the opposite chromosome) from a pathogenic variant. ClinVar contains an entry for this variant (Variation ID: 417754). An algorithm developed to predict the effect of missense changes on protein structure and function (PolyPhen-2) suggests that this variant is likely to be disruptive. Experimental studies have shown that this missense change affects ARHGEF18 function (PMID: 28132693). In summary, the currently available evidence indicates that the variant is pathogenic, but additional data are needed to prove that conclusively. Therefore, this variant has been classified as Likely Pathogenic.

OMIM
Classification: Pathogenic for RETINITIS PIGMENTOSA 78. Last evaluated: 2017-04-07. Review status: no assertion criteria provided. Collection method: literature only. Allele origin: germline. Not counted in ClinVar's aggregate classification.

Literature cited by the submitters: PubMed 28132693 (cited by Labcorp Genetics (formerly Invitae), Labcorp and OMIM).

NM_001367823.1(ARHGEF18):c.1372A>G (p.Thr458Ala)

Gene: ARHGEF18 (Rho/Rac guanine nucleotide exchange factor 18; plus strand). Cytogenetic location: 19p13.2.
Variant type: single nucleotide variant.
Coding change: c.1372A>G on transcript NM_001367823.1 (MANE Select); coding-DNA position 1372, A replaced by G.
Protein change: p.Thr458Ala; replaces threonine 458 with alanine.
Molecular consequence: missense variant.
Genome position (GRCh38, 1-based): chr19:7,444,215, A>G. VCF-style: chr19-7444215-A-G. GRCh37 (hg19) VCF-style: chr19-7509101-A-G.
Other names: T270A; c.646A>G, p.Thr216Ala (NM_001130955.2); c.334A>G, p.Thr112Ala (NM_001367824.1, NM_015318.4); short protein forms T112A, T216A, T458A.
Identifiers: ClinVar variation 417754 (VCV000417754.6), dbSNP rs987233144, ClinGen allele CA16616861.